The following is an entry in ClinVar:

NM_001035.3(RYR2):c.14021A>T (p.Lys4674Met)

Gene: RYR2 (ryanodine receptor 2; plus strand). Cytogenetic location: 1q43.
Variant type: single nucleotide variant.
Coding change: c.14021A>T on transcript NM_001035.3 (MANE Select); coding-DNA position 14021, A replaced by T.
Protein change: p.Lys4674Met; replaces lysine 4674 with methionine.
Molecular consequence: missense variant.
Genome position (GRCh38, 1-based): chr1:237,798,101, A>T. VCF-style: chr1-237798101-A-T. GRCh37 (hg19) VCF-style: chr1-237961401-A-T.
Other names: short protein forms K4674M.
Identifiers: ClinVar variation 2119397 (VCV002119397.4), dbSNP rs2528017583, ClinGen allele CA345419779.

ClinVar aggregate classification (germline): Uncertain significance (1 of 4 stars; one submission).

Conditions:
Catecholaminergic polymorphic ventricular tachycardia 1. Also called: VENTRICULAR TACHYCARDIA, CATECHOLAMINERGIC POLYMORPHIC, 1, WITH OR WITHOUT ATRIAL DYSFUNCTION AND/OR DILATED CARDIOMYOPATHY; RYR2-Related Catecholaminergic Polymorphic Ventricular Tachycardia; VENTRICULAR TACHYCARDIA, STRESS-INDUCED POLYMORPHIC 1. Identifiers: Orphanet 3286, MedGen C1631597, MONDO:0011484, OMIM 604772.

Submission:

Labcorp Genetics (formerly Invitae), Labcorp
Classification: Uncertain significance for Catecholaminergic polymorphic ventricular tachycardia 1. Last evaluated: 2022-05-04. Review status: criteria provided, single submitter. Criteria: Invitae Variant Classification Sherloc (09022015). Collection method: clinical testing. Allele origin: germline.
Comment: This variant has not been reported in the literature in individuals affected with RYR2-related conditions. This variant is not present in population databases (gnomAD no frequency). This sequence change replaces lysine, which is basic and polar, with methionine, which is neutral and non-polar, at codon 4674 of the RYR2 protein (p.Lys4674Met). Algorithms developed to predict the effect of missense changes on protein structure and function are either unavailable or do not agree on the potential impact of this missense change (SIFT: "Deleterious"; PolyPhen-2: "Probably Damaging"; Align-GVGD: "Class C0"). In summary, the available evidence is currently insufficient to determine the role of this variant in disease. Therefore, it has been classified as a Variant of Uncertain Significance.